The following is an entry in ClinVar:

ClinVar aggregate classification (germline): Uncertain significance. Review status: criteria provided, multiple submitters, no conflicts (2 of 4 stars). 2 submissions from 2 submitters: Uncertain significance (2). Last evaluated 2026-01-04.

Conditions:
Cystic fibrosis (CF). Also called: MUCOVISCIDOSIS. Identifiers: Orphanet 586, MedGen C0010674, MONDO:0009061, OMIM 219700. Disease mechanism: loss of function.

Submissions (2):

Women's Health and Genetics/Laboratory Corporation of America, LabCorp
Classification: Uncertain significance. Last evaluated: 2026-01-04. Review status: criteria provided, single submitter. Criteria: LabCorp Variant Classification Summary - May 2015. Collection method: clinical testing. Allele origin: germline.

Ambry Genetics
Classification: Uncertain significance for Cystic fibrosis. Last evaluated: 2023-10-19. Review status: criteria provided, single submitter. Criteria: Ambry Variant Classification Scheme 2023. Collection method: clinical testing. Allele origin: germline.
Comment: The p.E449A variant (also known as c.1346A>C), located in coding exon 10 of the CFTR gene, results from an A to C substitution at nucleotide position 1346. The glutamic acid at codon 449 is replaced by alanine, an amino acid with dissimilar properties. This amino acid position is conserved. In addition, the in silico prediction for this alteration is inconclusive. Since supporting evidence is limited at this time, the clinical significance of this alteration remains unclear.

NM_000492.4(CFTR):c.1346A>C (p.Glu449Ala)

Genes: CFTR (CF transmembrane conductance regulator; plus strand), CFTR-AS1 (CFTR antisense RNA 1; minus strand). Cytogenetic location: 7q31.2.
Variant type: single nucleotide variant.
Coding change: c.1346A>C on transcript NM_000492.4 (MANE Select); coding-DNA position 1346, A replaced by C.
Protein change: p.Glu449Ala; replaces glutamic acid 449 with alanine.
Molecular consequence: missense variant.
Genome position (GRCh38, 1-based): chr7:117,548,777, A>C. VCF-style: chr7-117548777-A-C. GRCh37 (hg19) VCF-style: chr7-117188831-A-C.
Other names: short protein forms E449A.
Identifiers: ClinVar variation 3231824 (VCV003231824.2), dbSNP rs1293018753, ClinGen allele CA368982223.
Genomic context (GRCh38, chr7:117,548,777, plus strand): 5'-TCTTCAGTAATTTCTCACTTCTTGGTACTCCTGTCCTGAAAGATATTAATTTCAAGATAG[A>C]AAGAGGACAGTTGTTGGCGGTTGCTGGATCCACTGGAGCAGGCAAGGTAGTTCTTTTGTT-3'
Protein context (NP_000483.3, residues 439-459): PVLKDINFKI[Glu449Ala]RGQLLAVAGS